The following is an entry in ClinVar:

NM_000127.3(EXT1):c.1290_1297del (p.Ile430fs)

Gene: EXT1 (exostosin glycosyltransferase 1; minus strand). Cytogenetic location: 8q24.11.
Variant type: Deletion.
Coding change: c.1290_1297del on transcript NM_000127.3 (MANE Select); coding-DNA positions 1290 to 1297, 8 bases deleted (TCAGGACA; older notation c.1290_1297delTCAGGACA).
Protein change: p.Ile430fs; shifts the reading frame from isoleucine 430.
Molecular consequence: frameshift variant.
Genome position (GRCh38, 1-based): chr8:117,822,585-117,822,592, TGTCCTGA deleted on the plus strand (TCAGGACA on the coding strand, the reverse complement: EXT1 is on the minus strand). VCF-style (leftmost placement, unchanged base first): chr8-117822584-CTGTCCTGA-C. GRCh37 (hg19) VCF-style: chr8-118834823-CTGTCCTGA-C.
Other names: short protein forms I430fs.
Identifiers: ClinVar variation 1329470 (VCV001329470.3), dbSNP rs2129749657, ClinGen allele CA2573052964.

ClinVar aggregate classification (germline): Pathogenic (1 of 4 stars; one submission).

Conditions:
Multiple congenital exostosis (EXT). Also called: Hereditary multiple osteochondromas; Multiple osteochondromas; MULTIPLE CARTILAGINOUS EXOSTOSES; Multiple exostoses; Hereditary multiple exostoses; Hereditary multiple exostosis. Identifiers: Orphanet 321, MedGen C0015306, MONDO:0005508, HP:0002762.

Submission:

Diagnostics Services (NGS), CSIR - Centre For Cellular And Molecular Biology
Classification: Pathogenic for Exostoses, multiple, type 1. Last evaluated: 2021-10-05. Review status: criteria provided, single submitter. Criteria: ACMG Guidelines, 2015. Collection method: clinical testing. Allele origin: unknown. Inheritance: Autosomal dominant inheritance. Affected: yes. Observed: 1 variant allele, 1 heterozygote.
Comment: The c.1290_1297del variant is not present in publicly available population databases like 1000 Genomes, Exome Variant Server (EVS), Exome Aggregation Consortium (ExAC), Genome Aggregation Database (gnomAD) and dbSNP. The variant is not present in Indian Exome Database and in our in-house exome database. The variant was not earlier reported to ClinVar, Human Genome Mutation Database (HGMD) or OMIM databases in any affected individuals. In-silico pathogenicity prediction programs like MutationTaster2, CADD, Varsome etc. predicted this variant to be likely deleterious.